The following is an entry in ClinVar:

ClinVar aggregate classification (germline): Uncertain significance. Review status: criteria provided, multiple submitters, no conflicts (2 of 4 stars). 3 submissions from 3 submitters: Uncertain significance (3). Last evaluated 2025-10-20.

Conditions:
TTN-related disorder. Also called: TTN-related disorders; TTN-related condition; TTN-related disease.
Autosomal recessive limb-girdle muscular dystrophy type 2J (LGMDR10). Also called: Limb-girdle muscular dystrophy, type 2J; MUSCULAR DYSTROPHY, LIMB-GIRDLE, AUTOSOMAL RECESSIVE 10. Identifiers: Orphanet 140922, MedGen C1837342, MONDO:0012127, OMIM 608807.
Dilated cardiomyopathy 1G (CMD1G). Identifiers: Orphanet 154, MedGen C1858763, MONDO:0011400, OMIM 604145.
Cardiomyopathy (CMYO). Also called: Cardiomyopathies. Identifiers: Orphanet 167848, MedGen C0878544, MONDO:0004994, HP:0001638. Inheritance: Various modes of inheritance.

Allele frequency attached by ClinVar (database versions not stated): gnomAD exomes below 0.00001; ExAC 0.00001; TOPMed 0.00002.
gnomAD v4.1: 26 of 1,613,042 alleles (0.0016%); highest among the groups gnomAD compares: African/African-American, 0.024%; no homozygotes.

Submissions (3):

PreventionGenetics, part of Exact Sciences
Classification: Uncertain significance for TTN-related condition. Last evaluated: 2025-10-20. Review status: criteria provided, single submitter. Criteria: ACMG Guidelines, 2015. Collection method: clinical testing. Allele origin: germline.
Comment: The TTN c.39289C>A variant is predicted to result in the amino acid substitution p.Pro13097Thr. To our knowledge, this variant has not been reported in the literature. This variant is reported in 0.0029% of alleles in individuals of Latino descent in gnomAD. At this time, the clinical significance of this variant is uncertain due to the absence of conclusive functional and genetic evidence.

CHEO Genetics Diagnostic Laboratory, Children's Hospital of Eastern Ontario
Classification: Uncertain significance for Cardiomyopathy. Last evaluated: 2016-04-25. Review status: criteria provided, single submitter. Criteria: ACMG Guidelines, 2015. Collection method: clinical testing. Allele origin: germline. Study: Canadian Open Genetics Repository.

Labcorp Genetics (formerly Invitae), Labcorp
Classification: Uncertain significance for Dilated cardiomyopathy 1G; Autosomal recessive limb-girdle muscular dystrophy type 2J. Last evaluated: 2016-03-31. Review status: criteria provided, single submitter. Criteria: Invitae Variant Classification Sherloc (09022015). Collection method: clinical testing. Allele origin: germline.

NM_001267550.2(TTN):c.39289C>A (p.Pro13097Thr)

Gene: TTN (titin; minus strand). Cytogenetic location: 2q31.2.
Variant type: single nucleotide variant.
Coding change: c.39289C>A on transcript NM_001267550.2 (MANE Select); coding-DNA position 39289, C replaced by A.
Protein change: p.Pro13097Thr; replaces proline 13097 with threonine.
Molecular consequence: missense variant. On other transcripts: intron variant (3).
Genome position (GRCh38, 1-based): chr2:178,652,102, G>T on the plus strand (C>A on the coding strand, the complement: TTN is on the minus strand). VCF-style: chr2-178652102-G-T. GRCh37 (hg19) VCF-style: chr2-179516829-G-T.
Other names: c.34768C>A, p.Pro11590Thr (NM_001256850.1); c.31987C>A, p.Pro10663Thr (NM_133378.4); c.13283-9785C>A (NM_003319.4); c.13859-9785C>A (NM_133437.4); c.13658-9785C>A (NM_133432.3); short protein forms P13097T, P11590T, P10663T.
Identifiers: ClinVar variation 404711 (VCV000404711.6), dbSNP rs370157162, ClinGen allele CA1996791.